The following is an entry in ClinVar:

ClinVar aggregate classification (germline): Uncertain significance (1 of 4 stars; one submission).

Conditions:
COG1 congenital disorder of glycosylation (CDG2G). Also called: CONGENITAL DISORDER OF GLYCOSYLATION, TYPE IIg; CDG IIg; CDGII/COG1 CEREBROCOSTOMANDIBULAR-LIKE SYNDROME. Identifiers: Orphanet 263508, MedGen C2931011, MONDO:0012637, OMIM 611209.

Allele frequency attached by ClinVar (database versions not stated): ExAC 0.00002; 1000 Genomes Project 0.00040; 1000 Genomes Project 30x 0.00047.
gnomAD v4.1: 36 of 1,613,708 alleles (0.0022%); highest among the groups gnomAD compares: Middle Eastern, 0.017%; no homozygotes.

Submission:

Baylor Genetics
Classification: Uncertain significance for COG1 congenital disorder of glycosylation. Last evaluated: 2018-01-02. Review status: criteria provided, single submitter. Criteria: ACMG Guidelines, 2015. Collection method: clinical testing. Allele origin: unknown. Affected: yes.
Comment: This variant was determined to be of uncertain significance according to ACMG Guidelines, 2015 [PMID:25741868].

NM_018714.3(COG1):c.1274G>A (p.Arg425Gln)

Genes: COG1 (component of oligomeric golgi complex 1; plus strand), LOC126862634 (CDK7 strongly-dependent group 2 enhancer GRCh37_chr17:71195948-71197147; plus strand). Cytogenetic location: 17q25.1.
Variant type: single nucleotide variant.
Coding change: c.1274G>A on transcript NM_018714.3 (MANE Select); coding-DNA position 1274, G replaced by A.
Protein change: p.Arg425Gln; replaces arginine 425 with glutamine.
Molecular consequence: missense variant.
Genome position (GRCh38, 1-based): chr17:73,200,769, G>A. VCF-style: chr17-73200769-G-A. GRCh37 (hg19) VCF-style: chr17-71196908-G-A.
Other names: short protein forms R425Q.
Identifiers: ClinVar variation 1033904 (VCV001033904.1), dbSNP rs150638922, ClinGen allele CA8740188.
Genomic context (GRCh38, chr17:73,200,769, plus strand): 5'-GGCTTCTGGAGAAGCCGCTCTTGTTCTGGGAAGATATGATGCAGCAACTGTTCCTTGACC[G>A]ATTACAGGTGAGCTGGACAGTCACATGGTCTACCTGTTTTATGGCCAATCCTAGTGGTAT-3'
Protein context (NP_061184.1, residues 415-435): EDMMQQLFLD[Arg425Gln]LQTLTKEGFD